The following is an entry in ClinVar:

ClinVar aggregate classification (germline): Uncertain significance. Review status: criteria provided, multiple submitters, no conflicts (2 of 4 stars). 3 submissions from 3 submitters: Uncertain significance (3). Last evaluated 2024-03-04.

Conditions:
Cardiovascular phenotype. Identifiers: MedGen CN230736.
Long QT syndrome (LQTS). Identifiers: MedGen C0023976, MeSH D008133, MONDO:0002442. Disease mechanism: loss of function. Inheritance: Various modes of inheritance.
Cardiac arrhythmia, ankyrin-B-related. Also called: ANKYRIN-B SYNDROME. Identifiers: Orphanet 101016, Orphanet 768, MedGen C1970119, MONDO:0010958, OMIM 600919.

Allele frequency attached by ClinVar (database versions not stated): TOPMed 0.00002.
gnomAD v4.1: 2 of 1,613,432 alleles (0.00012%); highest among the groups gnomAD compares: Non-Finnish European, 0.00017%; no homozygotes.

Submissions (3):

Ambry Genetics
Classification: Uncertain significance for Cardiovascular phenotype. Last evaluated: 2024-03-04. Review status: criteria provided, single submitter. Criteria: Ambry Variant Classification Scheme 2023. Collection method: clinical testing. Allele origin: germline.
Comment: The p.T1479R variant (also known as c.4436C>G), located in coding exon 38 of the ANK2 gene, results from a C to G substitution at nucleotide position 4436. The threonine at codon 1479 is replaced by arginine, an amino acid with similar properties. This amino acid position is conserved. In addition, the in silico prediction for this alteration is inconclusive. Based on the available evidence, the clinical significance of this alteration remains unclear.

Labcorp Genetics (formerly Invitae), Labcorp
Classification: Uncertain significance for Long QT syndrome. Last evaluated: 2022-07-25. Review status: criteria provided, single submitter. Criteria: Invitae Variant Classification Sherloc (09022015). Collection method: clinical testing. Allele origin: germline.
Comment: This variant is present in population databases (no rsID available, gnomAD 0.0009%). This variant has not been reported in the literature in individuals affected with ANK2-related conditions. ClinVar contains an entry for this variant (Variation ID: 1006731). Algorithms developed to predict the effect of missense changes on protein structure and function are either unavailable or do not agree on the potential impact of this missense change (SIFT: "Deleterious"; PolyPhen-2: "Probably Damaging"; Align-GVGD: "Class C0"). In summary, the available evidence is currently insufficient to determine the role of this variant in disease. Therefore, it has been classified as a Variant of Uncertain Significance. This sequence change replaces threonine, which is neutral and polar, with arginine, which is basic and polar, at codon 1479 of the ANK2 protein (p.Thr1479Arg).

Fulgent Genetics
Classification: Uncertain significance for Cardiac arrhythmia, ankyrin-B-related. Last evaluated: 2021-07-26. Review status: criteria provided, single submitter. Criteria: ACMG Guidelines, 2015. Collection method: clinical testing. Allele origin: unknown.

NM_001148.6(ANK2):c.4436C>G (p.Thr1479Arg)

Gene: ANK2 (ankyrin 2; plus strand). Cytogenetic location: 4q26.
Variant type: single nucleotide variant.
Coding change: c.4436C>G on transcript NM_001148.6 (MANE Select); coding-DNA position 4436, C replaced by G.
Protein change: p.Thr1479Arg; replaces threonine 1479 with arginine.
Molecular consequence: missense variant. On other transcripts: intron variant (68).
Genome position (GRCh38, 1-based): chr4:113,353,054, C>G. VCF-style: chr4-113353054-C-G. GRCh37 (hg19) VCF-style: chr4-114274210-C-G.
Other names: c.4202C>G, p.Thr1401Arg (NM_001386142.1); c.836C>G, p.Thr279Arg (NM_001386166.1); c.4577C>G, p.Thr1526Arg (NM_001386174.1); c.4553C>G, p.Thr1518Arg (NM_001386175.1); c.4411+2805C>G (NM_001386186.2, NM_001386148.2); c.4213+2805C>G (NM_001354269.3); c.4291+2805C>G (NM_001386187.2); c.4252+2805C>G (NM_001386147.1); and 36 more; short protein forms T1401R, T1479R, T1518R, T1526R, T279R.
Identifiers: ClinVar variation 1006731 (VCV001006731.7), dbSNP rs762685310, ClinGen allele CA357914422.
Genomic context (GRCh38, chr4:113,353,054, plus strand): 5'-TATCTTTTTTGATTTCCATTTTACTTTCAATGTTTTTCATTCACATCAAAGATGATGAGA[C>G]AGAATCTACAGAAACATCTGTCCTGAAAAGTCACCTGGTTAATGAAGTTCCTGTCCTAGC-3'
Protein context (NP_001139.3, residues 1469-1489): IDMTSEKNDE[Thr1479Arg]ESTETSVLKS